The following is an entry in ClinVar:

ClinVar aggregate classification (germline): Uncertain significance. Review status: criteria provided, multiple submitters, no conflicts (2 of 4 stars). 3 submissions from 3 submitters: Uncertain significance (3). Last evaluated 2026-01-11.

Conditions:
Age related macular degeneration 1 (ARMD1). Also called: MACULOPATHY, AGE-RELATED, 1. Identifiers: MedGen C1864205, MONDO:0011285, OMIM 603075.

Allele frequency attached by ClinVar (database versions not stated): TOPMed 0.00010; gnomAD 0.00013 and 0.00014; gnomAD exomes 0.00019 and 0.00024; 1000 Genomes Project 0.00020; 1000 Genomes Project 30x 0.00031; ESP Exome Variant Server 0.00031; ExAC 0.00042.
gnomAD v4.1: 296 of 1,614,176 alleles (0.018%); highest among the groups gnomAD compares: Non-Finnish European, 0.024%; no homozygotes.

Submissions (3):

Labcorp Genetics (formerly Invitae), Labcorp
Classification: Uncertain significance. Last evaluated: 2026-01-11. Review status: criteria provided, single submitter. Criteria: Invitae Variant Classification Sherloc (09022015). Collection method: clinical testing. Allele origin: germline.
Comment: This sequence change replaces tyrosine, which is neutral and polar, with histidine, which is basic and polar, at codon 5037 of the HMCN1 protein (p.Tyr5037His). This variant is present in population databases (rs41317505, gnomAD 0.05%), and has an allele count higher than expected for a pathogenic variant. This variant has not been reported in the literature in individuals affected with HMCN1-related conditions. ClinVar contains an entry for this variant (Variation ID: 1382375). An algorithm developed to predict the effect of missense changes on protein structure and function (PolyPhen-2) suggests that this variant is likely to be disruptive. In summary, the available evidence is currently insufficient to determine the role of this variant in disease. Therefore, it has been classified as a Variant of Uncertain Significance.

Genome-Nilou Lab
Classification: Uncertain significance for Age related macular degeneration 1. Last evaluated: 2023-04-11. Review status: criteria provided, single submitter. Criteria: ACMG Guidelines, 2015. Collection method: clinical testing. Allele origin: germline. Affected: no.

Ambry Genetics
Classification: Uncertain significance. Last evaluated: 2021-09-01. Review status: criteria provided, single submitter. Criteria: Ambry Variant Classification Scheme 2023. Collection method: clinical testing. Allele origin: germline.

NM_031935.3(HMCN1):c.15109T>C (p.Tyr5037His)

Gene: HMCN1 (hemicentin 1; plus strand). Cytogenetic location: 1q31.1.
Variant type: single nucleotide variant.
Coding change: c.15109T>C on transcript NM_031935.3 (MANE Select); coding-DNA position 15109, T replaced by C.
Protein change: p.Tyr5037His; replaces tyrosine 5037 with histidine.
Molecular consequence: missense variant.
Genome position (GRCh38, 1-based): chr1:186,153,840, T>C. VCF-style: chr1-186153840-T-C. GRCh37 (hg19) VCF-style: chr1-186122972-T-C.
Other names: c.15109T>C (NM_031935.2); short protein forms Y5037H.
Identifiers: ClinVar variation 1382375 (VCV001382375.7), dbSNP rs41317505, ClinGen allele CA1295158.